The following is an entry in ClinVar:

NM_181675.4(PPP2R2B):c.70+21510G>A

Gene: PPP2R2B (protein phosphatase 2 regulatory subunit Bbeta; minus strand). Cytogenetic location: 5q32.
Variant type: single nucleotide variant.
Coding change: c.70+21510G>A on transcript NM_181675.4 (MANE Select); 21510 bases into the intron after coding-DNA position 70, G replaced by A.
Molecular consequence: intron variant.
Genome position (GRCh38, 1-based): chr5:146,856,492, C>T on the plus strand (G>A on the coding strand, the complement: PPP2R2B is on the minus strand). VCF-style: chr5-146856492-C-T. GRCh37 (hg19) VCF-style: chr5-146236055-C-T.
Other names: c.244+21510G>A (NM_001271900.2); c.80-155350G>A (NM_181676.3); c.268+21510G>A (NM_181674.3); c.37+7G>A (NM_001271948.2, NM_181678.2); c.89-155350G>A (NM_001271899.1); c.11-155350G>A (NM_181677.2).
Identifiers: ClinVar variation 1335601 (VCV001335601.35), dbSNP rs375712572, ClinGen allele CA3492851.

ClinVar aggregate classification (germline): Likely benign (1 of 4 stars; one submission).

Allele frequency attached by ClinVar (database versions not stated): gnomAD exomes 0.00020 and 0.00033; TOPMed 0.00022; ExAC 0.00023; gnomAD 0.00023; ESP Exome Variant Server 0.00034.
gnomAD v4.1: 501 of 1,560,330 alleles (0.032%); highest among the groups gnomAD compares: Middle Eastern, 0.067%; no homozygotes.

Submission:

CeGaT Center for Human Genetics Tuebingen
Classification: Likely benign. Last evaluated: 2024-01-01. Review status: criteria provided, single submitter. Criteria: CeGaT Center For Human Genetics Tuebingen Variant Classification Criteria Version 2. Collection method: clinical testing. Allele origin: germline. Affected: yes. Observed: 2 variant alleles.
Comment: PPP2R2B: BP4